The following is an entry in ClinVar:

ClinVar aggregate classification (germline): Likely pathogenic. Review status: criteria provided, multiple submitters, no conflicts (2 of 4 stars). 2 submissions from 2 submitters: Likely pathogenic (2). Last evaluated 2025-03-09.

Conditions:
Dilated cardiomyopathy 1G (CMD1G). Identifiers: Orphanet 154, MedGen C1858763, MONDO:0011400, OMIM 604145.
Autosomal recessive limb-girdle muscular dystrophy type 2J (LGMDR10). Also called: Limb-girdle muscular dystrophy, type 2J; MUSCULAR DYSTROPHY, LIMB-GIRDLE, AUTOSOMAL RECESSIVE 10. Identifiers: Orphanet 140922, MedGen C1837342, MONDO:0012127, OMIM 608807.
Cardiovascular phenotype. Identifiers: MedGen CN230736.

Submissions (2):

Labcorp Genetics (formerly Invitae), Labcorp
Classification: Likely pathogenic for Dilated cardiomyopathy 1G; Autosomal recessive limb-girdle muscular dystrophy type 2J. Last evaluated: 2025-03-09. Review status: criteria provided, single submitter. Criteria: Invitae Variant Classification Sherloc (09022015). Collection method: clinical testing. Allele origin: germline.
Comment: This sequence change creates a premature translational stop signal (p.Gly26608Glufs*6) in the TTN gene. While this is not anticipated to result in nonsense mediated decay, it is expected to create a truncated TTN protein. This variant is not present in population databases (gnomAD no frequency). This variant has not been reported in the literature in individuals affected with TTN-related conditions. ClinVar contains an entry for this variant (Variation ID: 1481115). This variant is located in the A band of TTN (PMID: 25589632). Truncating variants in this region are significantly overrepresented in patients affected with dilated cardiomyopathy (PMID: 25589632). Truncating variants in this region have also been reported in individuals affected with autosomal recessive centronuclear myopathy (PMID: 23975875). In summary, the currently available evidence indicates that the variant is pathogenic, but additional data are needed to prove that conclusively. Therefore, this variant has been classified as Likely Pathogenic.

Ambry Genetics
Classification: Likely pathogenic for Cardiovascular phenotype. Last evaluated: 2020-05-11. Review status: criteria provided, single submitter. Criteria: Ambry Variant Classification Scheme 2023. Collection method: clinical testing. Allele origin: germline.
Comment: The c.52602_52627dup26 variant, located in coding exon 153 of the TTN gene, results from a duplication of 26 nucleotides at position 52602 to 52627, causing a translational frameshift with a predicted alternate stop codon (p.G17543Efs*6). This exon is located in the A-band region of the N2-B isoform of the titin protein and is constitutively expressed in TTN transcripts (percent spliced in or PSI 100%). This alteration is expected to result in loss of function by premature protein truncation or nonsense-mediated mRNA decay. While truncating variants in TTN are present in 1-3% of the general population, truncating variants in the A-band are the most common cause of dilated cardiomyopathy (DCM) (Herman DS et al. N. Engl. J. Med., 2012 Feb;366:619-28; Roberts AM et al. Sci Transl Med, 2015 Jan;7:270ra6). TTN truncating variants encoded in constitutive exons (PSI >90%) have been found to be significantly associated with DCM regardless of their position in titin (Schafer S et al. Nat. Genet., 2017 01;49:46-53). As such, this alteration is classified as likely pathogenic.

Literature cited by the submitters: PubMed 25589632 (cited by Labcorp Genetics (formerly Invitae), Labcorp); PubMed 23975875 (cited by Labcorp Genetics (formerly Invitae), Labcorp).

NM_001267550.2(TTN):c.79797_79822dup (p.Gly26608delinsGluLysGluLeuLeuTer)

Genes: TTN-AS1 (TTN antisense RNA 1; plus strand), TTN (titin; minus strand). Cytogenetic location: 2q31.2.
Variant type: Duplication.
Coding change: c.79797_79822dup on transcript NM_001267550.2 (MANE Select); coding-DNA positions 79797 to 79822, 26 bases duplicated (AAAAGGAATTGTTGTAAGAGCTGGTG).
Protein change: p.Gly26608delinsGluLysGluLeuLeuTer.
Molecular consequence: nonsense.
Genome position (GRCh38, 1-based): chr2:178,566,310-178,566,335, CACCAGCTCTTACAACAATTCCTTTT duplicated on the plus strand (AAAAGGAATTGTTGTAAGAGCTGGTG on the coding strand, the reverse complement: TTN is on the minus strand); duplicating any 26 consecutive bases within chr2:178,566,310-178,566,336 gives the same sequence; the c. name uses the placement nearest the transcript's 3' end. VCF-style (leftmost placement, unchanged base first): chr2-178566309-C-CCACCAGCTCTTACAACAATTCCTTTT. GRCh37 (hg19) VCF-style: chr2-179431036-C-CCACCAGCTCTTACAACAATTCCTTTT.
Other names: c.52602_52627dupAAAAGGAATTGTTGTAAGAGCTGGTG (NM_003319.4); c.74874_74899dup, p.Gly24967delinsGluLysGluLeuLeuTer (NM_001256850.1); c.52602_52627dup, p.Gly17543delinsGluLysGluLeuLeuTer (NM_003319.4); c.72093_72118dup, p.Gly24040delinsGluLysGluLeuLeuTer (NM_133378.4); c.52977_53002dup, p.Gly17668delinsGluLysGluLeuLeuTer (NM_133432.3); c.53178_53203dup, p.Gly17735delinsGluLysGluLeuLeuTer (NM_133437.4).
Identifiers: ClinVar variation 1481115 (VCV001481115.10), dbSNP rs2154165475, ClinGen allele CA2573134172.